The following is an entry in ClinVar:

ClinVar aggregate classification (germline): Uncertain significance (1 of 4 stars; one submission).

Allele frequency attached by ClinVar (database versions not stated): TOPMed 0.00017; gnomAD 0.00022.

Submission:

Women's Health and Genetics/Laboratory Corporation of America, LabCorp
Classification: Uncertain significance. Last evaluated: 2022-06-28. Review status: criteria provided, single submitter. Criteria: LabCorp Variant Classification Summary - May 2015. Collection method: clinical testing. Allele origin: germline.
Comment: Variant summary: GALT c.-739C>T is located in the untranscribed region upstream of the GALT gene region. The variant allele was found at a frequency of 0.00029 in 31044 control chromosomes (gnomAD). The available data on variant occurrences in the general population are insufficient to allow any conclusion about variant significance. To our knowledge, no occurrence of c.-739C>T in individuals affected with Galactosemia and no experimental evidence demonstrating its impact on protein function have been reported. No clinical diagnostic laboratories have submitted clinical-significance assessments for this variant to ClinVar after 2014. Based on the evidence outlined above, the variant was classified as uncertain significance.

NM_000155.3(GALT):c.-739C>T

Gene: GALT (galactose-1-phosphate uridylyltransferase; plus strand). Cytogenetic location: 9p13.3.
Variant type: single nucleotide variant.
Coding change: c.-739C>T on transcript NM_000155.3; 739 bases upstream of the start codon, C replaced by T.
Genome position (GRCh38, 1-based): chr9:34,645,966, C>T. VCF-style: chr9-34645966-C-T. GRCh37 (hg19) VCF-style: chr9-34645963-C-T.
Identifiers: ClinVar variation 1698645 (VCV001698645.1), dbSNP rs778861821, ClinGen allele CA192666563.